The following is an entry in ClinVar:

ClinVar aggregate classification (germline): Uncertain significance (1 of 4 stars; one submission).

Conditions:
Gabriele de Vries syndrome. Identifiers: Orphanet 506358, MedGen C4479652, MONDO:0044738, OMIM 617557.

Submission:

Baylor Genetics
Classification: Uncertain significance for Gabriele de Vries syndrome. Last evaluated: 2019-02-01. Review status: criteria provided, single submitter. Criteria: ACMG Guidelines, 2015. Collection method: clinical testing. Allele origin: paternal. Affected: yes.
Comment: This variant was determined to be of uncertain significance according to ACMG Guidelines, 2015 [PMID:25741868].

NM_003403.5(YY1):c.562G>A (p.Gly188Ser)

Gene: YY1 (YY1 transcription factor; plus strand). Cytogenetic location: 14q32.2.
Variant type: single nucleotide variant.
Coding change: c.562G>A on transcript NM_003403.5 (MANE Select); coding-DNA position 562, G replaced by A.
Protein change: p.Gly188Ser; replaces glycine 188 with serine.
Molecular consequence: missense variant.
Genome position (GRCh38, 1-based): chr14:100,239,806, G>A. VCF-style: chr14-100239806-G-A. GRCh37 (hg19) VCF-style: chr14-100706143-G-A.
Other names: short protein forms G188S.
Identifiers: ClinVar variation 1029701 (VCV001029701.1), dbSNP rs1890698987, ClinGen allele CA390972566.